The following is an entry in ClinVar:

ClinVar aggregate classification (germline): Benign. Review status: criteria provided, multiple submitters, no conflicts (2 of 4 stars). 2 submissions from 2 submitters: Benign (2). Last evaluated 2022-09-01.

Conditions:
Autosomal dominant Parkinson disease 8. Also called: Parkinson disease 8, susceptibility to; LRRK2-Related Parkinson Disease; Parkinson disease 8. Identifiers: Orphanet 411602, MedGen C1846862, MONDO:0011764, OMIM 607060.

Allele frequency attached by ClinVar (database versions not stated): gnomAD 0.00159 and 0.00152; 1000 Genomes Project 0.00200; 1000 Genomes Project 30x 0.00219; gnomAD exomes 0.00011; TOPMed 0.00139.
gnomAD v4.1: 299 of 778,776 alleles (0.038%); highest among the groups gnomAD compares: African/African-American, 0.52%; no homozygotes.

Submissions (2):

CeGaT Center for Human Genetics Tuebingen
Classification: Benign. Last evaluated: 2022-09-01. Review status: criteria provided, single submitter. Criteria: CeGaT Center For Human Genetics Tuebingen Variant Classification Criteria Version 2. Collection method: clinical testing. Allele origin: germline. Affected: yes. Observed: 1 variant allele.
Comment: LRRK2: BS1, BS2

Illumina Laboratory Services, Illumina
Classification: Benign for Autosomal dominant Parkinson disease 8. Last evaluated: 2018-01-12. Review status: criteria provided, single submitter. Criteria: ICSL Variant Classification Criteria 13 December 2019. Collection method: clinical testing. Allele origin: germline.
Comment: This variant was observed in the ICSL laboratory as part of a predisposition screen in an ostensibly healthy population. It had not been previously curated by ICSL or reported in the Human Gene Mutation Database (HGMD: prior to June 1st, 2018), and was therefore a candidate for classification through an automated scoring system. Utilizing variant allele frequency, disease prevalence and penetrance estimates, and inheritance mode, an automated score was calculated to assess if this variant is too frequent to cause the disease. Based on the score and internal cut-off values, a variant classified as benign is not then subjected to further curation. The score for this variant resulted in a classification of benign for this disease.

NM_198578.4(LRRK2):c.*123A>C

Gene: LRRK2 (leucine rich repeat kinase 2; plus strand). Cytogenetic location: 12q12.
Variant type: single nucleotide variant.
Coding change: c.*123A>C on transcript NM_198578.4 (MANE Select); 123 bases downstream of the stop codon, A replaced by C.
Molecular consequence: 3 prime UTR variant.
Genome position (GRCh38, 1-based): chr12:40,367,888, A>C. VCF-style: chr12-40367888-A-C. GRCh37 (hg19) VCF-style: chr12-40761690-A-C.
Identifiers: ClinVar variation 308651 (VCV000308651.29), dbSNP rs73277568, ClinGen allele CA10641167.